The following is an entry in ClinVar:

ClinVar aggregate classification (germline): Uncertain significance (1 of 4 stars; one submission).

Conditions:
Dyskeratosis congenita. Identifiers: Orphanet 1775, MedGen C0265965, MONDO:0015780.

Submission:

Ambry Genetics
Classification: Uncertain significance for Dyskeratosis congenita. Last evaluated: 2024-10-21. Review status: criteria provided, single submitter. Criteria: Ambry Variant Classification Scheme 2023. Collection method: clinical testing. Allele origin: germline.
Comment: The p.A184V variant (also known as c.551C>T), located in coding exon 2 of the TERT gene, results from a C to T substitution at nucleotide position 551. The alanine at codon 184 is replaced by valine, an amino acid with similar properties. This amino acid position is conserved. In addition, this alteration is predicted to be tolerated by in silico analysis. Based on the available evidence, the clinical significance of this variant remains unclear.

NM_198253.3(TERT):c.551C>T (p.Ala184Val)

Gene: TERT (telomerase reverse transcriptase; minus strand). Cytogenetic location: 5p15.33.
Variant type: single nucleotide variant.
Coding change: c.551C>T on transcript NM_198253.3 (MANE Select); coding-DNA position 551, C replaced by T.
Protein change: p.Ala184Val; replaces alanine 184 with valine.
Molecular consequence: missense variant. On other transcripts: non-coding transcript variant (2).
Genome position (GRCh38, 1-based): chr5:1,294,335, G>A on the plus strand (C>T on the coding strand, the complement: TERT is on the minus strand). VCF-style: chr5-1294335-G-A. GRCh37 (hg19) VCF-style: chr5-1294450-G-A.
Other names: c.551C>T, p.Ala184Val (NM_001193376.3); short protein forms A184V.
Identifiers: ClinVar variation 3455205 (VCV003455205.1).